The following is an entry in ClinVar:

ClinVar aggregate classification (germline): Uncertain significance (1 of 4 stars; one submission).

Conditions:
Inborn genetic diseases. Identifiers: MedGen C0950123, MeSH D030342.

Submission:

Ambry Genetics
Classification: Uncertain significance for Inborn genetic diseases. Last evaluated: 2025-09-25. Review status: criteria provided, single submitter. Criteria: Ambry Variant Classification Scheme 2023. Collection method: clinical testing. Allele origin: germline.
Comment: The p.E790D variant (also known as c.2370G>T), located in coding exon 8 of the MECOM gene, results from a G to T substitution at nucleotide position 2370. The glutamic acid at codon 790 is replaced by aspartic acid, an amino acid with highly similar properties. This amino acid position is conserved. In addition, this alteration is predicted to be tolerated by in silico analysis. Based on the available evidence, the clinical significance of this variant remains unclear.

NM_004991.4(MECOM):c.2370G>T (p.Glu790Asp)

Gene: MECOM (MDS1 and EVI1 complex locus; minus strand). Cytogenetic location: 3q26.2.
Variant type: single nucleotide variant.
Coding change: c.2370G>T on transcript NM_004991.4 (MANE Select); coding-DNA position 2370, G replaced by T.
Protein change: p.Glu790Asp; replaces glutamic acid 790 with aspartic acid.
Molecular consequence: missense variant.
Genome position (GRCh38, 1-based): chr3:169,115,502, C>A on the plus strand (G>T on the coding strand, the complement: MECOM is on the minus strand). VCF-style: chr3-169115502-C-A. GRCh37 (hg19) VCF-style: chr3-168833290-C-A.
Other names: c.2001G>T, p.Glu667Asp (NM_001105077.4); c.1806G>T, p.Glu602Asp (NM_001105078.4, NM_001164000.2, NM_001205194.2 and 4 more transcripts); c.1809G>T, p.Glu603Asp (NM_001163999.2, NM_001366467.2, NM_001366468.2 and 1 more transcripts); c.2370G>T, p.Glu790Asp (NM_001366466.2); c.1398G>T, p.Glu466Asp (NM_001366473.2); c.834G>T, p.Glu278Asp (NM_001366474.2); short protein forms E603D, E466D, E278D, E667D, E602D, E790D.
Identifiers: ClinVar variation 4624603 (VCV004624603.1).